The following is an entry in ClinVar:

ClinVar aggregate classification (germline): Uncertain significance (1 of 4 stars; one submission).

Conditions:
Combined immunodeficiency due to OX40 deficiency. Also called: OX40 DEFICIENCY; Immunodeficiency 16. Identifiers: Orphanet 431149, MedGen C3810053, MONDO:0014268, OMIM 615593.

Allele frequency attached by ClinVar (database versions not stated): TOPMed below 0.00001; gnomAD exomes 0.00001.
gnomAD v4.1: 10 of 1,602,854 alleles (0.00062%); highest among the groups gnomAD compares: Non-Finnish European, 0.00076%; no homozygotes.

Submission:

Labcorp Genetics (formerly Invitae), Labcorp
Classification: Uncertain significance for Combined immunodeficiency due to OX40 deficiency. Last evaluated: 2025-01-13. Review status: criteria provided, single submitter. Criteria: Invitae Variant Classification Sherloc (09022015). Collection method: clinical testing. Allele origin: germline.
Comment: This sequence change replaces glycine, which is neutral and non-polar, with glutamic acid, which is acidic and polar, at codon 28 of the TNFRSF4 protein (p.Gly28Glu). This variant is not present in population databases (gnomAD no frequency). This variant has not been reported in the literature in individuals affected with TNFRSF4-related conditions. ClinVar contains an entry for this variant (Variation ID: 2844106). Invitae Evidence Modeling of protein sequence and biophysical properties (such as structural, functional, and spatial information, amino acid conservation, physicochemical variation, residue mobility, and thermodynamic stability) indicates that this missense variant is not expected to disrupt TNFRSF4 protein function with a negative predictive value of 80%. In summary, the available evidence is currently insufficient to determine the role of this variant in disease. Therefore, it has been classified as a Variant of Uncertain Significance.

NM_003327.4(TNFRSF4):c.83G>A (p.Gly28Glu)

Gene: TNFRSF4 (TNF receptor superfamily member 4; minus strand). Cytogenetic location: 1p36.33.
Variant type: single nucleotide variant.
Coding change: c.83G>A on transcript NM_003327.4 (MANE Select); coding-DNA position 83, G replaced by A.
Protein change: p.Gly28Glu; replaces glycine 28 with glutamic acid.
Molecular consequence: missense variant.
Genome position (GRCh38, 1-based): chr1:1,214,045, C>T on the plus strand (G>A on the coding strand, the complement: TNFRSF4 is on the minus strand). VCF-style: chr1-1214045-C-T. GRCh37 (hg19) VCF-style: chr1-1149425-C-T.
Other names: c.83G>A, p.Gly28Glu (NM_001410709.1); short protein forms G28E.
Identifiers: ClinVar variation 2844106 (VCV002844106.3), dbSNP rs867902887, ClinGen allele CA337802915.